The following is an entry in ClinVar:

ClinVar aggregate classification (germline): Uncertain significance (1 of 4 stars; one submission).

Conditions:
Kleefstra syndrome 1 (KLEFS1). Identifiers: Orphanet 261494, MedGen C0795833, MONDO:0027407, OMIM 610253.

gnomAD v4.1: 1 of 1,612,724 alleles (0.000062%); highest among the groups gnomAD compares: Non-Finnish European, 0.000085%; no homozygotes.

Submission:

Labcorp Genetics (formerly Invitae), Labcorp
Classification: Uncertain significance for Kleefstra syndrome 1. Last evaluated: 2025-08-29. Review status: criteria provided, single submitter. Criteria: Invitae Variant Classification Sherloc (09022015). Collection method: clinical testing. Allele origin: germline.
Comment: This sequence change replaces asparagine, which is neutral and polar, with tyrosine, which is neutral and polar, at codon 68 of the EHMT1 protein (p.Asn68Tyr). This variant is present in population databases (rs767976306, gnomAD 0.0009%). This variant has not been reported in the literature in individuals affected with EHMT1-related conditions. An algorithm developed to predict the effect of missense changes on protein structure and function (PolyPhen-2) suggests that this variant is likely to be tolerated. In summary, the available evidence is currently insufficient to determine the role of this variant in disease. Therefore, it has been classified as a Variant of Uncertain Significance.

NM_024757.5(EHMT1):c.202A>T (p.Asn68Tyr)

Gene: EHMT1 (euchromatic histone lysine methyltransferase 1; plus strand). Cytogenetic location: 9q34.3.
Variant type: single nucleotide variant.
Coding change: c.202A>T on transcript NM_024757.5 (MANE Select); coding-DNA position 202, A replaced by T.
Protein change: p.Asn68Tyr; replaces asparagine 68 with tyrosine.
Molecular consequence: missense variant.
Genome position (GRCh38, 1-based): chr9:137,716,742, A>T. VCF-style: chr9-137716742-A-T. GRCh37 (hg19) VCF-style: chr9-140611194-A-T.
Other names: c.202A>T, p.Asn68Tyr (NM_001145527.2, NM_001354263.2, NM_001354611.2); c.109A>T, p.Asn37Tyr (NM_001354259.2, NM_001354612.2); short protein forms N37Y, N68Y.
Identifiers: ClinVar variation 4703430 (VCV004703430.1).